The following is an entry in ClinVar:

ClinVar aggregate classification (germline): Uncertain significance. Review status: criteria provided, multiple submitters, no conflicts (2 of 4 stars). 2 submissions from 2 submitters: Uncertain significance (2). Last evaluated 2026-07-07.

Conditions:
Hereditary cancer-predisposing syndrome. Also called: Hereditary Cancer Syndrome; Neoplastic Syndromes, Hereditary; Hereditary neoplastic syndrome; Tumor predisposition. Identifiers: Orphanet 140162, MedGen C0027672, MeSH D009386, MONDO:0015356.
Rhabdoid tumor predisposition syndrome 2 (RTPS2). Identifiers: Orphanet 231108, Orphanet 69077, MedGen C2750074, MONDO:0013224, OMIM 613325.

Submissions (2):

Ambry Genetics
Classification: Uncertain significance for Hereditary cancer-predisposing syndrome. Last evaluated: 2026-07-07. Review status: criteria provided, single submitter. Criteria: Ambry Variant Classification Scheme 2023. Collection method: clinical testing. Allele origin: germline.
Comment: The p.G239V variant (also known as c.716G>T), located in coding exon 3 of the SMARCA4 gene, results from a G to T substitution at nucleotide position 716. The glycine at codon 239 is replaced by valine, an amino acid with dissimilar properties. This amino acid position is conserved. In addition, the in silico prediction for this alteration is inconclusive. Based on the available evidence, the clinical significance of this variant remains unclear.

Labcorp Genetics (formerly Invitae), Labcorp
Classification: Uncertain significance for Rhabdoid tumor predisposition syndrome 2. Last evaluated: 2025-10-23. Review status: criteria provided, single submitter. Criteria: Invitae Variant Classification Sherloc (09022015). Collection method: clinical testing. Allele origin: germline.
Comment: This sequence change replaces glycine, which is neutral and non-polar, with valine, which is neutral and non-polar, at codon 239 of the SMARCA4 protein (p.Gly239Val). This variant is not present in population databases (gnomAD no frequency). This variant has not been reported in the literature in individuals affected with SMARCA4-related conditions. ClinVar contains an entry for this variant (Variation ID: 1410388). Invitae Evidence Modeling of protein sequence and biophysical properties (such as structural, functional, and spatial information, amino acid conservation, physicochemical variation, residue mobility, and thermodynamic stability) indicates that this missense variant is not expected to disrupt SMARCA4 protein function with a negative predictive value of 95%. In summary, the available evidence is currently insufficient to determine the role of this variant in disease. Therefore, it has been classified as a Variant of Uncertain Significance.

NM_003072.5(SMARCA4):c.716G>T (p.Gly239Val)

Gene: SMARCA4 (SWI/SNF related BAF chromatin remodeling complex subunit ATPase 4; plus strand). Cytogenetic location: 19p13.2.
Variant type: single nucleotide variant.
Coding change: c.716G>T on transcript NM_003072.5 (MANE Select); coding-DNA position 716, G replaced by T.
Protein change: p.Gly239Val; replaces glycine 239 with valine.
Molecular consequence: missense variant. On other transcripts: non-coding transcript variant (1).
Genome position (GRCh38, 1-based): chr19:10,986,549, G>T. VCF-style: chr19-10986549-G-T. GRCh37 (hg19) VCF-style: chr19-11097225-G-T.
Other names: c.716G>T, p.Gly239Val (NM_001128844.3, NM_001128845.2, NM_001128846.2 and 5 more transcripts); c.716G>T (NM_001128849.1); short protein forms G239V.
Identifiers: ClinVar variation 1410388 (VCV001410388.7), dbSNP rs1161508952, ClinGen allele CA404057146.